The following is an entry in ClinVar:

NM_000222.3(KIT):c.2578T>C (p.Trp860Arg)

Gene: KIT (KIT proto-oncogene, receptor tyrosine kinase; plus strand). Cytogenetic location: 4q12.
Variant type: single nucleotide variant.
Coding change: c.2578T>C on transcript NM_000222.3 (MANE Select); coding-DNA position 2578, T replaced by C.
Protein change: p.Trp860Arg; replaces tryptophan 860 with arginine.
Molecular consequence: missense variant.
Genome position (GRCh38, 1-based): chr4:54,736,591, T>C. VCF-style: chr4-54736591-T-C. GRCh37 (hg19) VCF-style: chr4-55602757-T-C.
Other names: c.2563T>C, p.Trp855Arg (NM_001385286.1); c.2569T>C, p.Trp857Arg (NM_001385288.1); c.2578T>C, p.Trp860Arg (NM_001385290.1); c.2566T>C, p.Trp856Arg (NM_001385292.1, NM_001093772.2); c.2581T>C, p.Trp861Arg (NM_001385284.1); c.2575T>C, p.Trp859Arg (NM_001385285.1); short protein forms W859R, W861R, W855R, W857R, W860R, W856R.
Identifiers: ClinVar variation 2751159 (VCV002751159.3), dbSNP rs2475582896, ClinGen allele CA356913357.
Genomic context (GRCh38, chr4:54,736,591, plus strand): 5'-AGCATTTTCAACTGTGTATACACGTTTGAAAGTGACGTCTGGTCCTATGGGATTTTTCTT[T>C]GGGAGCTGTTCTCTTTAGGTAAAATGATCCTTGCCAAAGACAACTTCATTAGACTCAGAG-3'
Protein context (NP_000213.1, residues 850-870): SDVWSYGIFL[Trp860Arg]ELFSLGSSPY

ClinVar aggregate classification (germline): Uncertain significance (1 of 4 stars; one submission).

Conditions:
Gastrointestinal stromal tumor. Also called: Gastrointestinal stromal tumor, somatic; Gastrointestinal stroma tumor. Identifiers: Orphanet 44890, MedGen C0238198, MeSH D046152, MONDO:0011719, OMIM 606764, HP:0100723.

Submission:

Labcorp Genetics (formerly Invitae), Labcorp
Classification: Uncertain significance for Gastrointestinal stromal tumor. Last evaluated: 2023-08-08. Review status: criteria provided, single submitter. Criteria: Invitae Variant Classification Sherloc (09022015). Collection method: clinical testing. Allele origin: germline.
Comment: This variant is not present in population databases (gnomAD no frequency). This variant has not been reported in the literature in individuals affected with KIT-related conditions. An algorithm developed to predict the effect of missense changes on protein structure and function (PolyPhen-2) suggests that this variant is likely to be disruptive. In summary, the available evidence is currently insufficient to determine the role of this variant in disease. Therefore, it has been classified as a Variant of Uncertain Significance. This sequence change replaces tryptophan, which is neutral and slightly polar, with arginine, which is basic and polar, at codon 860 of the KIT protein (p.Trp860Arg).